The following is an entry in ClinVar:

ClinVar aggregate classification (germline): Uncertain significance (1 of 4 stars; one submission).

Submission:

GeneDx
Classification: Uncertain significance. Last evaluated: 2020-01-09. Review status: criteria provided, single submitter. Criteria: GeneDx Variant Classification Process June 2021. Collection method: clinical testing. Allele origin: germline. Affected: yes.
Comment: Not observed in large population cohorts (Lek et al., 2016); Has not been previously published as pathogenic or benign to our knowledge

NM_001613.4(ACTA2):c.631G>A (p.Val211Ile)

Genes: ACTA2 (actin alpha 2, smooth muscle; minus strand), ACTA2-AS1 (ACTA2 antisense RNA 1; plus strand). Cytogenetic location: 10q23.31.
Variant type: single nucleotide variant.
Coding change: c.631G>A on transcript NM_001613.4 (MANE Select); coding-DNA position 631, G replaced by A.
Protein change: p.Val211Ile; replaces valine 211 with isoleucine.
Molecular consequence: missense variant. On other transcripts: non-coding transcript variant (1).
Genome position (GRCh38, 1-based): chr10:88,939,684, C>T on the plus strand (G>A on the coding strand, the complement: ACTA2 is on the minus strand). VCF-style: chr10-88939684-C-T. GRCh37 (hg19) VCF-style: chr10-90699441-C-T.
Other names: c.631G>A, p.Val211Ile (NM_001320855.2, NM_001406462.1, NM_001406463.1 and 2 more transcripts); c.520G>A, p.Val174Ile (NM_001406466.1); c.502G>A, p.Val168Ile (NM_001406467.1, NM_001406468.1, NM_001406469.1); short protein forms V211I, V174I, V168I.
Identifiers: ClinVar variation 1302972 (VCV001302972.4), dbSNP rs2133250754, ClinGen allele CA377511525.